The following is an entry in ClinVar:

NM_032119.4(ADGRV1):c.10342G>A (p.Val3448Met)

Gene: ADGRV1 (adhesion G protein-coupled receptor V1; plus strand). Cytogenetic location: 5q14.3.
Variant type: single nucleotide variant.
Coding change: c.10342G>A on transcript NM_032119.4 (MANE Select); coding-DNA position 10342, G replaced by A.
Protein change: p.Val3448Met; replaces valine 3448 with methionine.
Molecular consequence: missense variant. On other transcripts: non-coding transcript variant (1).
Genome position (GRCh38, 1-based): chr5:90,728,849, G>A. VCF-style: chr5-90728849-G-A. GRCh37 (hg19) VCF-style: chr5-90024666-G-A.
Other names: c.10342G>A (NM_032119.3); short protein forms V3448M.
Identifiers: ClinVar variation 197612 (VCV000197612.18), dbSNP rs199715642, ClinGen allele CA245870.

ClinVar aggregate classification (germline): Conflicting classifications of pathogenicity. Review status: criteria provided, conflicting classifications (1 of 4 stars). 6 submissions from 6 submitters: Uncertain significance (4); Likely benign (2). Last evaluated 2026-01-19.

Conditions:
Usher syndrome type 2. Also called: Usher Syndrome Type II. Identifiers: Orphanet 231178, MedGen C0339534, MONDO:0016484.
ADGRV1-related disorder. Also called: ADGRV1-related condition; ADGRV1-related disorders.

Allele frequency attached by ClinVar (database versions not stated): gnomAD 0.00007; TOPMed 0.00009; ExAC 0.00010; gnomAD exomes 0.00015; 1000 Genomes Project 30x 0.00016; 1000 Genomes Project 0.00020.
gnomAD v4.1: 75 of 1,613,724 alleles (0.0046%); highest among the groups gnomAD compares: Admixed American, 0.038%; no homozygotes.

Submissions (6):

Labcorp Genetics (formerly Invitae), Labcorp
Classification: Likely benign. Last evaluated: 2026-01-19. Review status: criteria provided, single submitter. Criteria: Invitae Variant Classification Sherloc (09022015). Collection method: clinical testing. Allele origin: germline.

PreventionGenetics, part of Exact Sciences
Classification: Likely benign for ADGRV1-related condition. Last evaluated: 2025-11-19. Review status: criteria provided, single submitter. Criteria: ACMG Guidelines, 2015. Collection method: clinical testing. Allele origin: germline.
Comment: This variant is classified as likely benign based on ACMG/AMP sequence variant interpretation guidelines (Richards et al. 2015 PMID: 25741868, with internal and published modifications).

GeneDx
Classification: Uncertain significance. Last evaluated: 2025-06-03. Review status: criteria provided, single submitter. Criteria: GeneDx Variant Classification Process June 2021. Collection method: clinical testing. Allele origin: germline. Affected: yes.
Comment: In silico analysis suggests that this missense variant does not alter protein structure/function; Has not been previously published as pathogenic or benign to our knowledge

Blueprint Genetics
Classification: Uncertain significance. Last evaluated: 2022-01-27. Review status: criteria provided, single submitter. Criteria: ACMG Guidelines, 2015. Collection method: clinical testing. Allele origin: germline.

Department of Pathology and Laboratory Medicine, Sinai Health System
Classification: Uncertain significance for Usher syndrome type 2. Last evaluated: 2020-05-26. Review status: criteria provided, single submitter. Criteria: ACMG Guidelines, 2015. Collection method: research. Allele origin: germline.

Eurofins Ntd Llc (ga)
Classification: Uncertain significance. Last evaluated: 2015-01-21. Review status: criteria provided, single submitter. Criteria: EGL Classification Definitions 2015. Collection method: clinical testing. Allele origin: germline. Observed: 1 variant allele, 1 heterozygote.